The following is an entry in ClinVar:

NM_000368.5(TSC1):c.2658del (p.Glu887fs)

Gene: TSC1 (TSC complex subunit 1; minus strand). Cytogenetic location: 9q34.13.
Variant type: Deletion.
Coding change: c.2658del on transcript NM_000368.5 (MANE Select); coding-DNA position 2658, one base deleted (A; older notation c.2658delA).
Protein change: p.Glu887fs; shifts the reading frame from glutamic acid 887.
Molecular consequence: frameshift variant.
Genome position (GRCh38, 1-based): chr9:132,897,578, T deleted on the plus strand (A on the coding strand, the reverse complement: TSC1 is on the minus strand); the first of 3 consecutive T bases (chr9:132,897,578-132,897,580); deleting any one gives the same sequence. VCF-style (leftmost placement, unchanged base first): chr9-132897577-CT-C. GRCh37 (hg19) VCF-style: chr9-135772964-CT-C.
Other names: c.2655del, p.Glu886fs (NM_001162426.2); c.2505del, p.Glu836fs (NM_001162427.2); c.2295del, p.Glu766fs (NM_001362177.2); short protein forms E836fs, E887fs, E886fs, E766fs.
Identifiers: ClinVar variation 64718 (VCV000064718.3), dbSNP rs397514788, ClinGen allele CA006820.

ClinVar aggregate classification (germline): Pathogenic. Review status: criteria provided, single submitter (1 of 4 stars). 2 submissions from 2 submitters: Pathogenic (1). 1 of the submissions does not count toward it. Last evaluated 2024-08-13.

Conditions:
Tuberous sclerosis 1 (TSC1). Identifiers: Orphanet 805, MedGen C1854465, MONDO:0008612, OMIM 191100.
Tuberous sclerosis syndrome (TSC). Also called: Tuberous sclerosis; Tuberous Sclerosis Complex. Identifiers: Orphanet 805, MedGen C0041341, MONDO:0001734.

Submissions (2):

Myriad Genetics, Inc.
Classification: Pathogenic for Tuberous sclerosis 1. Last evaluated: 2024-08-13. Review status: criteria provided, single submitter. Criteria: Myriad Autosomal Dominant, Autosomal Recessive and X-Linked Classification Criteria (2023). Collection method: clinical testing. Allele origin: unknown.
Comment: This variant is considered pathogenic. This variant creates a frameshift predicted to result in premature protein truncation.

Tuberous sclerosis database (TSC1)
No classification provided. Condition: TSC. Review status: no classification provided. Criteria: Tuberous Sclerosis Database Assertion Criteria 2015. Collection method: curation. Allele origin: germline. Affected: yes. Not counted in ClinVar's aggregate classification.